The following is an entry in ClinVar:

NM_005589.4(ALDH6A1):c.186+7G>A

Genes: ALDH6A1 (aldehyde dehydrogenase 6 family member A1; minus strand), BBOF1 (basal body orientation factor 1; plus strand). Cytogenetic location: 14q24.3.
Variant type: single nucleotide variant.
Coding change: c.186+7G>A on transcript NM_005589.4 (MANE Select); 7 bases into the intron after coding-DNA position 186, G replaced by A.
Molecular consequence: intron variant.
Genome position (GRCh38, 1-based): chr14:74,072,530, C>T on the plus strand (G>A on the coding strand, the complement: ALDH6A1 is on the minus strand). VCF-style: chr14-74072530-C-T. GRCh37 (hg19) VCF-style: chr14-74539233-C-T.
Other names: c.186+7G>A (NM_001278593.2); c.-440+7G>A (NM_001278594.2).
Identifiers: ClinVar variation 710038 (VCV000710038.10), dbSNP rs184483889, ClinGen allele CA7265915.

ClinVar aggregate classification (germline): Benign/Likely benign. Review status: criteria provided, multiple submitters, no conflicts (2 of 4 stars). 2 submissions from 2 submitters: Benign (1); Likely benign (1). Last evaluated 2025-05-06.

Conditions:
ALDH6A1-related disorder. Also called: ALDH6A1-related condition.

Allele frequency attached by ClinVar (database versions not stated): gnomAD exomes 0.00011 and 0.00032; ExAC 0.00041; gnomAD 0.00137 and 0.00141; TOPMed 0.00150; ESP Exome Variant Server 0.00177; 1000 Genomes Project 0.00180; 1000 Genomes Project 30x 0.00203.
gnomAD v4.1: 365 of 1,614,124 alleles (0.023%); highest among the groups gnomAD compares: African/African-American, 0.41%; 1 homozygote.

Submissions (2):

Labcorp Genetics (formerly Invitae), Labcorp
Classification: Benign. Last evaluated: 2025-05-06. Review status: criteria provided, single submitter. Criteria: Invitae Variant Classification Sherloc (09022015). Collection method: clinical testing. Allele origin: germline.

PreventionGenetics, part of Exact Sciences
Classification: Likely benign for ALDH6A1-related condition. Last evaluated: 2025-01-03. Review status: criteria provided, single submitter. Criteria: ACMG Guidelines, 2015. Collection method: clinical testing. Allele origin: germline.
Comment: This variant is classified as likely benign based on ACMG/AMP sequence variant interpretation guidelines (Richards et al. 2015 PMID: 25741868, with internal and published modifications).